The following is an entry in ClinVar:

NM_015662.3(IFT172):c.792G>A (p.Arg264=)

Gene: IFT172 (intraflagellar transport 172; minus strand). Cytogenetic location: 2p23.3.
Variant type: single nucleotide variant.
Coding change: c.792G>A on transcript NM_015662.3 (MANE Select); coding-DNA position 792, G replaced by A.
Protein change: p.Arg264=; no amino-acid change (arginine 264 retained).
Molecular consequence: synonymous variant.
Genome position (GRCh38, 1-based): chr2:27,480,143, C>T on the plus strand (G>A on the coding strand, the complement: IFT172 is on the minus strand). VCF-style: chr2-27480143-C-T. GRCh37 (hg19) VCF-style: chr2-27703010-C-T.
Identifiers: ClinVar variation 719814 (VCV000719814.36), dbSNP rs138730915, ClinGen allele CA1580855.
Genomic context (GRCh38, chr2:27,480,143, plus strand): 5'-GGTAATCTCCTTGGGCTTTGCCTCTTCCCAGATGCTTCTTCGAGGGATCCAGTTGAACAC[C>T]CGAAGCCTGAAATAAAGTATGTGGCTTTTAGAAGAGATTGAGGCTGAGCTAAAGAGTGCA-3'
Protein context (NP_056477.1, residues 254-274): SVVLGSYDRL[Arg264=]VFNWIPRRSI

ClinVar aggregate classification (germline): Likely benign. Review status: criteria provided, multiple submitters, no conflicts (2 of 4 stars). 4 submissions from 4 submitters: Likely benign (3). 1 of the submissions does not count toward it. Last evaluated 2026-01-16.

Conditions:
Retinitis pigmentosa 71 (RP71). Identifiers: Orphanet 791, MedGen C4225342, MONDO:0014618, OMIM 616394.
Short-rib thoracic dysplasia 10 with or without polydactyly (SRTD10). Identifiers: Orphanet 474, MedGen C3810175, MONDO:0014284, OMIM 615630.
IFT172-related disorder. Also called: IFT172-related disorders; IFT172-related condition.

Allele frequency attached by ClinVar (database versions not stated): gnomAD exomes 0.00004 and 0.00008; ExAC 0.00006; TOPMed 0.00018; gnomAD 0.00020; ESP Exome Variant Server 0.00023.
gnomAD v4.1: 96 of 1,613,370 alleles (0.006%); highest among the groups gnomAD compares: Middle Eastern, 0.066%; no homozygotes.

Submissions (4):

Labcorp Genetics (formerly Invitae), Labcorp
Classification: Likely benign for Retinitis pigmentosa 71; Short-rib thoracic dysplasia 10 with or without polydactyly. Last evaluated: 2026-01-16. Review status: criteria provided, single submitter. Criteria: Invitae Variant Classification Sherloc (09022015). Collection method: clinical testing. Allele origin: germline.

Blueprint Genetics
Classification: Likely benign. Last evaluated: 2024-07-26. Review status: criteria provided, single submitter. Criteria: ACMG Guidelines, 2015. Collection method: clinical testing. Allele origin: germline.

CeGaT Center for Human Genetics Tuebingen
Classification: Likely benign. Last evaluated: 2023-10-01. Review status: criteria provided, single submitter. Criteria: CeGaT Center For Human Genetics Tuebingen Variant Classification Criteria Version 2. Collection method: clinical testing. Allele origin: germline. Affected: yes. Observed: 1 variant allele.
Comment: IFT172: BP4, BP7

PreventionGenetics, part of Exact Sciences
Classification: Likely benign for IFT172-related condition. Last evaluated: 2020-10-09. Review status: no assertion criteria provided. Collection method: clinical testing. Allele origin: germline. Not counted in ClinVar's aggregate classification.
Comment: This variant is classified as likely benign based on ACMG/AMP sequence variant interpretation guidelines (Richards et al. 2015 PMID: 25741868, with internal and published modifications).